The following is an entry in ClinVar:

ClinVar aggregate classification (germline): Likely pathogenic (1 of 4 stars; one submission).

Conditions:
Alport syndrome. Also called: Hemorrhagic familial nephritis; Hemorrhagic hereditary nephritis; Congenital hereditary hematuria. Identifiers: Orphanet 63, MedGen C1567741, MONDO:0018965.

Submission:

Victorian Clinical Genetics Services, Murdoch Childrens Research Institute
Classification: Likely pathogenic for Alport syndrome. Last evaluated: 2022-09-02. Review status: criteria provided, single submitter. Criteria: ACMG Guidelines, 2015. Collection method: clinical testing. Allele origin: germline. Affected: yes.
Comment: Based on the classification scheme VCGS_Germline_v1.3.4, this variant is classified as Likely pathogenic. Following criteria are met: 0103 - Loss of function is a known mechanism of disease for this gene and is associated with COL4A4-related nephropathy. Dominant negative is a suspected mechanism of disease for this gene as it is a structural protein (PMIDs: 12028435, 24046192). (I) 0108 - This gene is associated with both recessive and dominant disease. Alport syndrome typically has biallelic inheritance, although rare cases of monoallelic inheritance have been reported (PMID: 28704582). Thin basement membrane nephropathy (TBMN) and focal segmental glomerulosclerosis (FSGS) are associated with autosomal dominant inheritance (OMIM, PMIDs: 16467446, 17942953). (I) 0200 - Variant is predicted to result in a missense amino acid change from glycine to aspartic acid. (I) 0251 - This variant is heterozygous. (I) 0301 - Variant is absent from gnomAD (both v2 and v3). (SP) 0501 - Missense variant consistently predicted to be damaging by multiple in silico tools or highly conserved with a major amino acid change. (SP) 0601 - Variant is located in the well-established functional Gly-X-Y motif within the repeat domain, and affects a glycine residue (DECIPHER). (SP) 0705 - No comparable missense variants have previous evidence for pathogenicity. (I) 0807 - This variant has no previous evidence of pathogenicity. (I) 0905 - No published segregation evidence has been identified for this variant. (I) 1007 - No published functional evidence has been identified for this variant. (I) 1208 - Inheritance information for this variant is not currently available in this individual. (I) Legend: (SP) - Supporting pathogenic, (I) - Information, (SB) - Supporting benign

Literature cited by the submitters: PubMed 12028435; PubMed 16467446; PubMed 17942953; PubMed 24046192; PubMed 28704582.

NM_000092.5(COL4A4):c.3098G>A (p.Gly1033Asp)

Gene: COL4A4 (collagen type IV alpha 4 chain; minus strand). Cytogenetic location: 2q36.3.
Variant type: single nucleotide variant.
Coding change: c.3098G>A on transcript NM_000092.5 (MANE Select); coding-DNA position 3098, G replaced by A.
Protein change: p.Gly1033Asp; replaces glycine 1033 with aspartic acid.
Molecular consequence: missense variant.
Genome position (GRCh38, 1-based): chr2:227,051,029, C>T on the plus strand (G>A on the coding strand, the complement: COL4A4 is on the minus strand). VCF-style: chr2-227051029-C-T. GRCh37 (hg19) VCF-style: chr2-227915745-C-T.
Other names: short protein forms G1033D.
Identifiers: ClinVar variation 3377497 (VCV003377497.1).